The following is an entry in ClinVar:

ClinVar aggregate classification (germline): Conflicting classifications of pathogenicity. Review status: criteria provided, conflicting classifications (1 of 4 stars). 4 submissions from 4 submitters: Uncertain significance (2); Likely benign (2). Last evaluated 2025-01-08.

Conditions:
Inborn genetic diseases. Identifiers: MedGen C0950123, MeSH D030342.

Allele frequency attached by ClinVar (database versions not stated): ExAC 0.00002; gnomAD exomes 0.00003; gnomAD 0.00005; TOPMed 0.00005.
gnomAD v4.1: 55 of 1,613,886 alleles (0.0034%); highest among the groups gnomAD compares: Non-Finnish European, 0.0022%; no homozygotes.

Submissions (4):

Ambry Genetics
Classification: Uncertain significance for Inborn genetic diseases. Last evaluated: 2025-01-08. Review status: criteria provided, single submitter. Criteria: Ambry Variant Classification Scheme 2023. Collection method: clinical testing. Allele origin: germline.

Labcorp Genetics (formerly Invitae), Labcorp
Classification: Likely benign. Last evaluated: 2024-10-16. Review status: criteria provided, single submitter. Criteria: Invitae Variant Classification Sherloc (09022015). Collection method: clinical testing. Allele origin: germline.

GeneDx
Classification: Uncertain significance. Last evaluated: 2024-10-11. Review status: criteria provided, single submitter. Criteria: GeneDx Variant Classification Process June 2021. Collection method: clinical testing. Allele origin: germline. Affected: yes.
Comment: In silico analysis indicates that this missense variant does not alter protein structure/function; Has not been previously published as pathogenic or benign to our knowledge

Athena Diagnostics
Classification: Likely benign. Last evaluated: 2024-02-23. Review status: criteria provided, single submitter. Criteria: Athena Diagnostics Criteria. Collection method: clinical testing. Allele origin: unknown.

NM_001378452.1(ITPR1):c.3175C>T (p.Pro1059Ser)

Gene: ITPR1 (inositol 1,4,5-trisphosphate receptor type 1; plus strand). Cytogenetic location: 3p26.1.
Variant type: single nucleotide variant.
Coding change: c.3175C>T on transcript NM_001378452.1 (MANE Select); coding-DNA position 3175, C replaced by T.
Protein change: p.Pro1059Ser; replaces proline 1059 with serine.
Molecular consequence: missense variant.
Genome position (GRCh38, 1-based): chr3:4,683,399, C>T. VCF-style: chr3-4683399-C-T. GRCh37 (hg19) VCF-style: chr3-4725083-C-T.
Other names: c.3148C>T, p.Pro1050Ser (NM_001099952.4); c.3130C>T, p.Pro1044Ser (NM_001168272.2); c.3103C>T, p.Pro1035Ser (NM_002222.7); c.3103C>T (NM_002222.5); c.3130C>T (NM_001168272.1); short protein forms P1035S, P1044S, P1050S, P1059S.
Identifiers: ClinVar variation 2154849 (VCV002154849.8), dbSNP rs771272478, ClinGen allele CA2231621.
Genomic context (GRCh38, chr3:4,683,399, plus strand): 5'-AGGCATTTGTCATTCATTTGGCCTTTCCCCACCTTGTGCTCCTTTAGTGAGGAGAACACC[C>T]CACTGGACTTGGATGACCACGGCGGCAGAACCTTTCTCCGTGTCCTGCTCCACTTGACGA-3'
Protein context (NP_001365381.1, residues 1049-1069): GIFGGSEENT[Pro1059Ser]LDLDDHGGRT